The following is an entry in ClinVar:

ClinVar aggregate classification (germline): Uncertain significance. Review status: criteria provided, multiple submitters, no conflicts (2 of 4 stars). 2 submissions from 2 submitters: Uncertain significance (2). Last evaluated 2025-12-05.

Conditions:
DICER1-related tumor predisposition. Also called: DICER1 syndrome; DICER1-related pleuropulmonary blastoma cancer predisposition syndrome. Identifiers: Orphanet 284343, MedGen C3839822, MONDO:0100216.
Hereditary cancer-predisposing syndrome. Also called: Neoplastic Syndromes, Hereditary; Tumor predisposition; Hereditary neoplastic syndrome; Hereditary Cancer Syndrome. Identifiers: Orphanet 140162, MedGen C0027672, MeSH D009386, MONDO:0015356.

Allele frequency attached by ClinVar (database versions not stated): gnomAD exomes below 0.00001.
gnomAD v4.1: 2 of 1,612,566 alleles (0.00012%); highest among the groups gnomAD compares: East Asian, 0.0045%; no homozygotes.

Submissions (2):

Ambry Genetics
Classification: Uncertain significance for Hereditary cancer-predisposing syndrome. Last evaluated: 2025-12-05. Review status: criteria provided, single submitter. Criteria: Ambry Variant Classification Scheme 2023. Collection method: clinical testing. Allele origin: germline.
Comment: The p.C199R variant (also known as c.595T>C), located in coding exon 5 of the DICER1 gene, results from a T to C substitution at nucleotide position 595. The cysteine at codon 199 is replaced by arginine, an amino acid with highly dissimilar properties. This amino acid position is conserved. In addition, the in silico prediction for this alteration is inconclusive. Based on the available evidence, the clinical significance of this variant remains unclear.

Labcorp Genetics (formerly Invitae), Labcorp
Classification: Uncertain significance for DICER1-related tumor predisposition. Last evaluated: 2023-01-07. Review status: criteria provided, single submitter. Criteria: Invitae Variant Classification Sherloc (09022015). Collection method: clinical testing. Allele origin: germline.
Comment: This sequence change replaces cysteine, which is neutral and slightly polar, with arginine, which is basic and polar, at codon 199 of the DICER1 protein (p.Cys199Arg). In summary, the available evidence is currently insufficient to determine the role of this variant in disease. Therefore, it has been classified as a Variant of Uncertain Significance. Advanced modeling of protein sequence and biophysical properties (such as structural, functional, and spatial information, amino acid conservation, physicochemical variation, residue mobility, and thermodynamic stability) performed at Invitae indicates that this missense variant is not expected to disrupt DICER1 protein function. ClinVar contains an entry for this variant (Variation ID: 1750734). This variant has not been reported in the literature in individuals affected with DICER1-related conditions. This variant is not present in population databases (gnomAD no frequency).

NM_177438.3(DICER1):c.595T>C (p.Cys199Arg)

Gene: DICER1 (dicer 1, ribonuclease III; minus strand). Cytogenetic location: 14q32.13.
Variant type: single nucleotide variant.
Coding change: c.595T>C on transcript NM_177438.3 (MANE Select); coding-DNA position 595, T replaced by C.
Protein change: p.Cys199Arg; replaces cysteine 199 with arginine.
Molecular consequence: missense variant. On other transcripts: 5 prime UTR variant (1), non-coding transcript variant (6).
Genome position (GRCh38, 1-based): chr14:95,129,611, A>G on the plus strand (T>C on the coding strand, the complement: DICER1 is on the minus strand). VCF-style: chr14-95129611-A-G. GRCh37 (hg19) VCF-style: chr14-95595948-A-G.
Other names: c.595T>C, p.Cys199Arg (NM_001195573.1, NM_001271282.3, NM_001291628.2 and 15 more transcripts); c.313T>C, p.Cys105Arg (NM_001395686.1); c.190T>C, p.Cys64Arg (NM_001395687.1, NM_001395688.1, NM_001395689.1 and 3 more transcripts); c.28T>C, p.Cys10Arg (NM_001395691.1); c.-974T>C (NM_001395697.1); short protein forms C199R, C10R, C64R, C105R.
Identifiers: ClinVar variation 1750734 (VCV001750734.6), dbSNP rs1566810803, ClinGen allele CA390888264.